The following is an entry in ClinVar:

ClinVar aggregate classification (germline): Uncertain significance (1 of 4 stars; one submission).

Conditions:
Developmental and epileptic encephalopathy, 42 (DEE42A). Also called: DEVELOPMENTAL AND EPILEPTIC ENCEPHALOPATHY 42A; EPILEPTIC ENCEPHALOPATHY, EARLY INFANTILE, 42A; Epileptic encephalopathy, early infantile, 42. Identifiers: MedGen C4310716, MONDO:0014917, OMIM 617106.
Episodic ataxia type 2 (EA2). Also called: ACETAZOLAMIDE-RESPONSIVE HEREDITARY PAROXYSMAL CEREBELLAR ATAXIA; ATAXIA, EPISODIC, WITH NYSTAGMUS; ATAXIA, FAMILIAL PAROXYSMAL; CEREBELLAR ATAXIA, PAROXYSMAL, ACETAZOLAMIDE-RESPONSIVE; CEREBELLOPATHY, HEREDITARY PAROXYSMAL; EPISODIC ATAXIA, NYSTAGMUS-ASSOCIATED. Identifiers: Orphanet 97, MedGen C1720416, MONDO:0007163, OMIM 108500.

Submission:

Labcorp Genetics (formerly Invitae), Labcorp
Classification: Uncertain significance for Developmental and epileptic encephalopathy, 42; Episodic ataxia type 2. Last evaluated: 2022-08-15. Review status: criteria provided, single submitter. Criteria: Invitae Variant Classification Sherloc (09022015). Collection method: clinical testing. Allele origin: germline.
Comment: Advanced modeling of protein sequence and biophysical properties (such as structural, functional, and spatial information, amino acid conservation, physicochemical variation, residue mobility, and thermodynamic stability) performed at Invitae indicates that this missense variant is not expected to disrupt CACNA1A protein function. This variant has not been reported in the literature in individuals affected with CACNA1A-related conditions. This variant is not present in population databases (gnomAD no frequency). This sequence change replaces isoleucine, which is neutral and non-polar, with valine, which is neutral and non-polar, at codon 1901 of the CACNA1A protein (p.Ile1901Val). Algorithms developed to predict the effect of sequence changes on RNA splicing suggest that this variant may create or strengthen a splice site. In summary, the available evidence is currently insufficient to determine the role of this variant in disease. Therefore, it has been classified as a Variant of Uncertain Significance.

NM_001127222.2(CACNA1A):c.5698A>G (p.Ile1900Val)

Gene: CACNA1A (calcium voltage-gated channel subunit alpha1 A; minus strand). Cytogenetic location: 19p13.13.
Variant type: single nucleotide variant.
Coding change: c.5698A>G on transcript NM_001127222.2 (MANE Select); coding-DNA position 5698, A replaced by G.
Protein change: p.Ile1900Val; replaces isoleucine 1900 with valine.
Molecular consequence: missense variant.
Genome position (GRCh38, 1-based): chr19:13,224,700, T>C on the plus strand (A>G on the coding strand, the complement: CACNA1A is on the minus strand). VCF-style: chr19-13224700-T-C. GRCh37 (hg19) VCF-style: chr19-13335514-T-C.
Other names: c.5716A>G, p.Ile1906Val (NM_000068.4, NM_023035.3); c.5701A>G, p.Ile1901Val (NM_001127221.2); c.5707A>G, p.Ile1903Val (NM_001174080.2); short protein forms I1900V, I1903V, I1906V, I1901V.
Identifiers: ClinVar variation 2054430 (VCV002054430.4), dbSNP rs2512589861, ClinGen allele CA404336891.